The following is an entry in ClinVar:

NM_006946.4(SPTBN2):c.4933C>T (p.His1645Tyr)

Gene: SPTBN2 (spectrin beta, non-erythrocytic 2; minus strand). Cytogenetic location: 11q13.2.
Variant type: single nucleotide variant.
Coding change: c.4933C>T on transcript NM_006946.4 (MANE Select); coding-DNA position 4933, C replaced by T.
Protein change: p.His1645Tyr; replaces histidine 1645 with tyrosine.
Molecular consequence: missense variant.
Genome position (GRCh38, 1-based): chr11:66,693,022, G>A on the plus strand (C>T on the coding strand, the complement: SPTBN2 is on the minus strand). VCF-style: chr11-66693022-G-A. GRCh37 (hg19) VCF-style: chr11-66460493-G-A.
Other names: c.4954C>T, p.His1652Tyr (NM_001411025.1); c.4933C>T, p.His1645Tyr (NM_001437541.1); short protein forms H1645Y, H1652Y.
Identifiers: ClinVar variation 4821602 (VCV004821602.4).
Genomic context (GRCh38, chr11:66,693,022, plus strand): 5'-GCACCCACCTCTCTGGGTGCTCGTGGTCAATCATGTCCTGGCTGCTGGCCGCCAGCTGGT[G>A]GATGGTCTGCGCGTAGTCGGCCAGGGCTTGCTCCAGCACCTGGTGCTTCTTCACCTCTGC-3'
Protein context (NP_008877.2, residues 1635-1655): QALADYAQTI[His1645Tyr]QLAASSQDMI

ClinVar aggregate classification (germline): Uncertain significance (1 of 4 stars; one submission).

gnomAD v4.1: 4 of 1,612,398 alleles (0.00025%); highest among the groups gnomAD compares: Non-Finnish European, 0.00025%; no homozygotes.

Submission:

CeGaT Center for Human Genetics Tuebingen
Classification: Uncertain significance. Last evaluated: 2026-01-01. Review status: criteria provided, single submitter. Criteria: CeGaT Center For Human Genetics Tuebingen Variant Classification Criteria Version 2. Collection method: clinical testing. Allele origin: germline. Affected: yes. Observed: 1 variant allele.
Comment: SPTBN2: PM2